The following is an entry in ClinVar:

ClinVar aggregate classification (germline): Likely benign (0 of 4 stars; one submission).

Conditions:
NCOA1-related disorder. Also called: NCOA1-related condition.

Allele frequency attached by ClinVar (database versions not stated): gnomAD exomes 0.00004; gnomAD 0.00005; ExAC 0.00018; TOPMed 0.00026.
gnomAD v4.1: 74 of 1,614,116 alleles (0.0046%); highest among the groups gnomAD compares: Admixed American, 0.11%; no homozygotes.

Submission:

PreventionGenetics, part of Exact Sciences
Classification: Likely benign for NCOA1-related condition. Last evaluated: 2024-08-21. Review status: no assertion criteria provided. Collection method: clinical testing. Allele origin: germline.
Comment: This variant is classified as likely benign based on ACMG/AMP sequence variant interpretation guidelines (Richards et al. 2015 PMID: 25741868, with internal and published modifications).

NM_003743.5(NCOA1):c.639A>G (p.Glu213=)

Gene: NCOA1 (nuclear receptor coactivator 1; plus strand). Cytogenetic location: 2p23.3.
Variant type: single nucleotide variant.
Coding change: c.639A>G on transcript NM_003743.5 (MANE Select); coding-DNA position 639, A replaced by G.
Protein change: p.Glu213=; no amino-acid change (glutamic acid 213 retained).
Molecular consequence: synonymous variant.
Genome position (GRCh38, 1-based): chr2:24,691,587, A>G. VCF-style: chr2-24691587-A-G. GRCh37 (hg19) VCF-style: chr2-24914456-A-G.
Other names: c.639A>G, p.Glu213= (NM_001362950.1, NM_001362952.1, NM_001362954.1 and 3 more transcripts).
Identifiers: ClinVar variation 3045295 (VCV003045295.2), dbSNP rs748557666, ClinGen allele CA1552056.
Genomic context (GRCh38, chr2:24,691,587, plus strand): 5'-TACCTTTAACTGCAGGATGCTAATTCACCCTCCAGATGAGCCAGGGACCGAGAACCAAGA[A>G]GCTTGCCAGCGTTATGAAGTAATGCAGTGTTTCACTGTGTCACAGCCAAAATCAATTCAA-3'
Protein context (NP_003734.3, residues 203-223): PPDEPGTENQ[Glu213=]ACQRYEVMQC